The following is an entry in ClinVar:

NM_145331.3(MAP3K7):c.937G>A (p.Ala313Thr)

Gene: MAP3K7 (mitogen-activated protein kinase kinase kinase 7; minus strand). Cytogenetic location: 6q15.
Variant type: single nucleotide variant.
Coding change: c.937G>A on transcript NM_145331.3 (MANE Select); coding-DNA position 937, G replaced by A.
Protein change: p.Ala313Thr; replaces alanine 313 with threonine.
Molecular consequence: missense variant.
Genome position (GRCh38, 1-based): chr6:90,550,480, C>T on the plus strand (G>A on the coding strand, the complement: MAP3K7 is on the minus strand). VCF-style: chr6-90550480-C-T. GRCh37 (hg19) VCF-style: chr6-91260199-C-T.
Other names: c.937G>A, p.Ala313Thr (NM_003188.4, NM_145332.3, NM_145333.3); short protein forms A313T.
Identifiers: ClinVar variation 4103426 (VCV004103426.2).
Genomic context (GRCh38, chr6:90,550,480, plus strand): 5'-GAGATGAAAGAAAAATCAAGTCAATACTCTTCCAATCTATCCATTTACCTGTACTGGTGG[C>T]AGAGTTGCTCTGTCCTTCATCTGAATACTGACAAGGATACTGTAATGGCTCATCTGCTCC-3'
Protein context (NP_663304.1, residues 303-323): QYSDEGQSNS[Ala313Thr]TSTGSFMDIA

ClinVar aggregate classification (germline): Uncertain significance. Review status: criteria provided, multiple submitters, no conflicts (2 of 4 stars). 2 submissions from 2 submitters: Uncertain significance (2). Last evaluated 2025-08-07.

Conditions:
Inborn genetic diseases. Identifiers: MedGen C0950123, MeSH D030342.

Submissions (2):

Ambry Genetics
Classification: Uncertain significance for Inborn genetic diseases. Last evaluated: 2025-08-07. Review status: criteria provided, single submitter. Criteria: Ambry Variant Classification Scheme 2023. Collection method: clinical testing. Allele origin: germline.

Labcorp Genetics (formerly Invitae), Labcorp
Classification: Uncertain significance. Last evaluated: 2025-06-17. Review status: criteria provided, single submitter. Criteria: Invitae Variant Classification Sherloc (09022015). Collection method: clinical testing. Allele origin: germline.
Comment: This sequence change replaces alanine, which is neutral and non-polar, with threonine, which is neutral and polar, at codon 313 of the MAP3K7 protein (p.Ala313Thr). This variant is present in population databases (rs763367393, gnomAD 0.0009%). This variant has not been reported in the literature in individuals affected with MAP3K7-related conditions. An algorithm developed to predict the effect of missense changes on protein structure and function (PolyPhen-2) suggests that this variant is likely to be tolerated. In summary, the available evidence is currently insufficient to determine the role of this variant in disease. Therefore, it has been classified as a Variant of Uncertain Significance.